The following is an entry in ClinVar:

ClinVar aggregate classification (germline): Uncertain significance. Review status: criteria provided, multiple submitters, no conflicts (2 of 4 stars). 6 submissions from 6 submitters: Uncertain significance (5). 1 of the submissions does not count toward it. Last evaluated 2025-12-29.

Conditions:
Hereditary cancer-predisposing syndrome. Also called: Hereditary neoplastic syndrome; Neoplastic Syndromes, Hereditary; Hereditary Cancer Syndrome; Tumor predisposition. Identifiers: Orphanet 140162, MedGen C0027672, MeSH D009386, MONDO:0015356.
Ataxia-telangiectasia syndrome (AT). Also called: Ataxia telangiectasia (A-T); LOUIS-BAR SYNDROME; Cerebello-oculocutaneous telangiectasia; Immunodeficiency with ataxia telangiectasia; Ataxia-telangiectasia, complementation group D; AT, COMPLEMENTATION GROUP C. Identifiers: Orphanet 100, MedGen C0004135, MONDO:0008840, OMIM 208900.

Allele frequency attached by ClinVar (database versions not stated): gnomAD exomes below 0.00001 and 0.00002; TOPMed 0.00002.
gnomAD v4.1: 36 of 1,613,848 alleles (0.0022%); highest among the groups gnomAD compares: Non-Finnish European, 0.0031%; no homozygotes.

Submissions (6):

Labcorp Genetics (formerly Invitae), Labcorp
Classification: Uncertain significance for Ataxia-telangiectasia syndrome. Last evaluated: 2025-12-29. Review status: criteria provided, single submitter. Criteria: Invitae Variant Classification Sherloc (09022015). Collection method: clinical testing. Allele origin: germline.
Comment: This sequence change replaces isoleucine, which is neutral and non-polar, with threonine, which is neutral and polar, at codon 1681 of the ATM protein (p.Ile1681Thr). This variant is present in population databases (no rsID available, gnomAD 0.0009%). This missense change has been observed in individual(s) with familial chronic lymphocytic leukemia (PMID: 12091354). ClinVar contains an entry for this variant (Variation ID: 453557). Invitae Evidence Modeling of protein sequence and biophysical properties (such as structural, functional, and spatial information, amino acid conservation, physicochemical variation, residue mobility, and thermodynamic stability) indicates that this missense variant is not expected to disrupt ATM protein function with a negative predictive value of 95%. In summary, the available evidence is currently insufficient to determine the role of this variant in disease. Therefore, it has been classified as a Variant of Uncertain Significance.

Ambry Genetics
Classification: Uncertain significance for Hereditary cancer-predisposing syndrome. Last evaluated: 2024-11-15. Review status: criteria provided, single submitter. Criteria: Ambry Variant Classification Scheme 2023. Collection method: clinical testing. Allele origin: germline.
Comment: The p.I1681T variant (also known as c.5042T>C), located in coding exon 33 of the ATM gene, results from a T to C substitution at nucleotide position 5042. The isoleucine at codon 1681 is replaced by threonine, an amino acid with similar properties. This variant has been reported in a family affected with chronic lymphocytic leukemia; however, the variant did not cosegregate with disease (Yuille MR et al. Blood. 2002 Jul;100:603-9). This variant has also been reported in at least one subject in a study of 13087 breast cancer cases and 5488 control individuals in the UK (Decker B et al. J Med Genet, 2017 11;54:732-741). This amino acid position is not well conserved in available vertebrate species. In addition, this alteration is predicted to be tolerated by in silico analysis. Based on the available evidence, the clinical significance of this variant remains unclear.

CeGaT Center for Human Genetics Tuebingen
Classification: Uncertain significance. Last evaluated: 2024-10-01. Review status: criteria provided, single submitter. Criteria: CeGaT Center For Human Genetics Tuebingen Variant Classification Criteria Version 2. Collection method: clinical testing. Allele origin: germline. Affected: yes. Observed: 1 variant allele.
Comment: ATM: PM2, BP4

GeneDx
Classification: Uncertain significance. Last evaluated: 2023-11-25. Review status: criteria provided, single submitter. Criteria: GeneDx Variant Classification Process June 2021. Collection method: clinical testing. Allele origin: germline. Affected: yes.
Comment: Observed in individuals with familial chronic lymphocytic leukemia (PMID: 12091354); In silico analysis supports that this missense variant does not alter protein structure/function; Not observed at a significant frequency in large population cohorts (gnomAD); This variant is associated with the following publications: (PMID: 27882345, 28779002, 12091354)

Color Diagnostics, LLC DBA Color Health
Classification: Uncertain significance for Hereditary cancer-predisposing syndrome. Last evaluated: 2021-07-16. Review status: criteria provided, single submitter. Criteria: ACMG Guidelines, 2015. Collection method: clinical testing. Allele origin: germline.
Comment: This missense variant replaces isoleucine with threonine at codon 1681 of the ATM protein. Computational prediction suggests that this variant may not impact protein structure and function (internally defined REVEL score threshold <= 0.5, PMID: 27666373). To our knowledge, functional studies have not been reported for this variant. This variant has been reported in individuals affected with familial chronic lymphocytic leukemia (PMID: 12091354). This variant has also been identified in 1/251186 chromosomes in the general population by the Genome Aggregation Database (gnomAD). The available evidence is insufficient to determine the role of this variant in disease conclusively. Therefore, this variant is classified as a Variant of Uncertain Significance.

Natera, Inc.
Classification: Uncertain significance for Ataxia-telangiectasia. Last evaluated: 2021-01-13. Review status: no assertion criteria provided. Collection method: clinical testing. Allele origin: germline. Not counted in ClinVar's aggregate classification.

Literature cited by the submitters: PubMed 12091354 (cited by Labcorp Genetics (formerly Invitae), Labcorp and Ambry Genetics); PubMed 28779002 (cited by Ambry Genetics).

NM_000051.4(ATM):c.5042T>C (p.Ile1681Thr)

Gene: ATM (ATM serine/threonine kinase; plus strand). Cytogenetic location: 11q22.3.
Variant type: single nucleotide variant.
Coding change: c.5042T>C on transcript NM_000051.4 (MANE Select); coding-DNA position 5042, T replaced by C.
Protein change: p.Ile1681Thr; replaces isoleucine 1681 with threonine.
Molecular consequence: missense variant.
Genome position (GRCh38, 1-based): chr11:108,299,750, T>C. VCF-style: chr11-108299750-T-C. GRCh37 (hg19) VCF-style: chr11-108170477-T-C.
Other names: c.5042T>C, p.Ile1681Thr (NM_001351834.2); short protein forms I1681T.
Identifiers: ClinVar variation 453557 (VCV000453557.43), dbSNP rs1307715383, ClinGen allele CA382540369.